The following is an entry in ClinVar:

NM_018834.6(MATR3):c.2075A>G (p.Lys692Arg)

Genes: MATR3 (matrin 3; plus strand), LOC126807526 (CDK7 strongly-dependent group 2 enhancer GRCh37_chr5:138657767-138658966; plus strand). Cytogenetic location: 5q31.2.
Variant type: single nucleotide variant.
Coding change: c.2075A>G on transcript NM_018834.6 (MANE Select); coding-DNA position 2075, A replaced by G.
Protein change: p.Lys692Arg; replaces lysine 692 with arginine.
Molecular consequence: missense variant.
Genome position (GRCh38, 1-based): chr5:139,322,894, A>G. VCF-style: chr5-139322894-A-G. GRCh37 (hg19) VCF-style: chr5-138658583-A-G.
Other names: c.2075A>G, p.Lys692Arg (NM_001194954.2, NM_001194955.2, NM_001400441.1 and 16 more transcripts); c.1211A>G, p.Lys404Arg (NM_001194956.2); c.1061A>G, p.Lys354Arg (NM_001282278.2, NM_001400460.1, NM_001400462.1 and 5 more transcripts); c.1214A>G, p.Lys405Arg (NM_001400459.1); c.1175A>G, p.Lys392Arg (NM_001400461.1); short protein forms K354R, K692R, K392R, K404R, K405R.
Identifiers: ClinVar variation 2867674 (VCV002867674.3), dbSNP rs2546864641, ClinGen allele CA361144869.

ClinVar aggregate classification (germline): Uncertain significance (1 of 4 stars; one submission).

Conditions:
Amyotrophic lateral sclerosis type 21. Also called: VOCAL CORD AND PHARYNGEAL DYSFUNCTION WITH DISTAL MYOPATHY; MYOPATHY, DISTAL, 2. Identifiers: Orphanet 600, Orphanet 803, MedGen C3807521, MONDO:0011632, OMIM 606070.

Submission:

Labcorp Genetics (formerly Invitae), Labcorp
Classification: Uncertain significance for Amyotrophic lateral sclerosis type 21. Last evaluated: 2022-12-12. Review status: criteria provided, single submitter. Criteria: Invitae Variant Classification Sherloc (09022015). Collection method: clinical testing. Allele origin: germline.
Comment: This sequence change replaces lysine, which is basic and polar, with arginine, which is basic and polar, at codon 692 of the MATR3 protein (p.Lys692Arg). This variant is not present in population databases (gnomAD no frequency). This variant has not been reported in the literature in individuals affected with MATR3-related conditions. Advanced modeling of protein sequence and biophysical properties (such as structural, functional, and spatial information, amino acid conservation, physicochemical variation, residue mobility, and thermodynamic stability) performed at Invitae indicates that this missense variant is not expected to disrupt MATR3 protein function. In summary, the available evidence is currently insufficient to determine the role of this variant in disease. Therefore, it has been classified as a Variant of Uncertain Significance.